The following is an entry in ClinVar:

ClinVar aggregate classification (germline): Benign/Likely benign. Review status: criteria provided, multiple submitters, no conflicts (2 of 4 stars). 5 submissions from 5 submitters: Benign (1); Likely benign (4). Last evaluated 2025-12-10.

Conditions:
Hereditary cancer-predisposing syndrome. Also called: Hereditary Cancer Syndrome; Neoplastic Syndromes, Hereditary; Tumor predisposition; Hereditary neoplastic syndrome. Identifiers: Orphanet 140162, MedGen C0027672, MeSH D009386, MONDO:0015356.
Peutz-Jeghers syndrome (PJS). Also called: POLYPOSIS, HAMARTOMATOUS INTESTINAL; POLYPS-AND-SPOTS SYNDROME; Peutz-Jeghers polyposis; Periorificial lentiginosis syndrome. Identifiers: Orphanet 2869, MedGen C0031269, MeSH D010580, MONDO:0008280, OMIM 175200.

Allele frequency attached by ClinVar (database versions not stated): gnomAD exomes below 0.00001; TOPMed 0.00001; gnomAD 0.00003.
gnomAD v4.1: 5 of 1,609,848 alleles (0.00031%); highest among the groups gnomAD compares: African/African-American, 0.0067%; no homozygotes.

Submissions (5):

Labcorp Genetics (formerly Invitae), Labcorp
Classification: Likely benign for Peutz-Jeghers syndrome. Last evaluated: 2025-12-10. Review status: criteria provided, single submitter. Criteria: Invitae Variant Classification Sherloc (09022015). Collection method: clinical testing. Allele origin: germline.

Myriad Genetics, Inc.
Classification: Benign for Peutz-Jeghers syndrome. Last evaluated: 2025-03-28. Review status: criteria provided, single submitter. Criteria: Myriad Autosomal Dominant, Autosomal Recessive and X-Linked Classification Criteria (2023). Collection method: clinical testing. Allele origin: unknown.
Comment: This variant is considered benign. This variant is a silent/synonymous amino acid change and it is not expected to impact splicing.

All of Us Research Program, National Institutes of Health
Classification: Likely benign for Peutz-Jeghers syndrome. Last evaluated: 2023-04-28. Review status: criteria provided, single submitter. Criteria: ACMG Guidelines, 2015. Collection method: clinical testing. Allele origin: germline. Inheritance: Autosomal dominant inheritance. Observed: 2 variant alleles, 2 heterozygotes.
Comment: This study involves interpretation of variants in research participants for the purpose of population health screening. Participant phenotype was not available at the time of variant classification. Additional details can be found in publication PMID: 35346344, PMCID: PMC8962531

GeneDx
Classification: Likely benign. Last evaluated: 2016-04-12. Review status: criteria provided, single submitter. Criteria: GeneDx Variant Classification (06012015). Collection method: clinical testing. Allele origin: germline. Affected: yes.
Comment: This variant is considered likely benign or benign based on one or more of the following criteria: it is a conservative change, it occurs at a poorly conserved position in the protein, it is predicted to be benign by multiple in silico algorithms, and/or has population frequency not consistent with disease.

Ambry Genetics
Classification: Likely benign for Hereditary cancer-predisposing syndrome. Last evaluated: 2014-12-05. Review status: criteria provided, single submitter. Criteria: Ambry Variant Classification Scheme 2023. Collection method: clinical testing. Allele origin: germline.

NM_000455.5(STK11):c.1020C>T (p.Tyr340=)

Genes: STK11 (serine/threonine kinase 11; plus strand), LOC130062899 (ATAC-STARR-seq lymphoblastoid active region 13597; plus strand). Cytogenetic location: 19p13.3.
Variant type: single nucleotide variant.
Coding change: c.1020C>T on transcript NM_000455.5 (MANE Select); coding-DNA position 1020, C replaced by T.
Protein change: p.Tyr340=; no amino-acid change (tyrosine 340 retained).
Molecular consequence: synonymous variant.
Genome position (GRCh38, 1-based): chr19:1,223,084, C>T. VCF-style: chr19-1223084-C-T. GRCh37 (hg19) VCF-style: chr19-1223083-C-T.
Identifiers: ClinVar variation 185804 (VCV000185804.16), dbSNP rs786202471, ClinGen allele CA022170.